The following is an entry in ClinVar:

NM_012330.4(KAT6B):c.4729C>T (p.Arg1577Cys)

Gene: KAT6B (lysine acetyltransferase 6B; plus strand). Cytogenetic location: 10q22.2.
Variant type: single nucleotide variant.
Coding change: c.4729C>T on transcript NM_012330.4 (MANE Select); coding-DNA position 4729, C replaced by T.
Protein change: p.Arg1577Cys; replaces arginine 1577 with cysteine.
Molecular consequence: missense variant.
Genome position (GRCh38, 1-based): chr10:75,029,553, C>T. VCF-style: chr10-75029553-C-T. GRCh37 (hg19) VCF-style: chr10-76789311-C-T.
Other names: c.4180C>T, p.Arg1394Cys (NM_001256468.2, NM_001370138.1); c.3853C>T, p.Arg1285Cys (NM_001256469.2, NM_001370139.1, NM_001370140.1 and 2 more transcripts); c.3691C>T, p.Arg1231Cys (NM_001370132.1); c.3040C>T, p.Arg1014Cys (NM_001370133.1); c.2644C>T, p.Arg882Cys (NM_001370134.1); c.2386C>T, p.Arg796Cys (NM_001370135.1); c.4729C>T, p.Arg1577Cys (NM_001370136.1, NM_001370137.1); c.3664C>T, p.Arg1222Cys (NM_001370143.1, NM_001370144.1); short protein forms R1394C, R882C, R1285C, R1014C, R1231C, R1222C, R1577C, R796C.
Identifiers: ClinVar variation 2735421 (VCV002735421.4), dbSNP rs754132525, ClinGen allele CA5565084.
Genomic context (GRCh38, chr10:75,029,553, plus strand): 5'-GACACCTTTCAGGATTGTGCCGAGACTCAAGAGGCCTGTAGAAGCCTACAGAACTACACC[C>T]GTGCAGACCAAAGTCCACAGATTGCCACCACGCTCGACGATTGCCAACAGTCGGACCACA-3'
Protein context (NP_036462.2, residues 1567-1587): EACRSLQNYT[Arg1577Cys]ADQSPQIATT

ClinVar aggregate classification (germline): Uncertain significance. Review status: criteria provided, multiple submitters, no conflicts (2 of 4 stars). 2 submissions from 2 submitters: Uncertain significance (2). Last evaluated 2024-05-22.

Conditions:
Genitopatellar syndrome (GTPTS). Also called: ABSENT PATELLAE, SCROTAL HYPOPLASIA, RENAL ANOMALIES, FACIAL DYSMORPHISM, AND MENTAL RETARDATION; Genitopatellar syndrome (GPS). Identifiers: Orphanet 85201, MedGen C1853566, MONDO:0011640, OMIM 606170.
Blepharophimosis - intellectual disability syndrome, SBBYS type (SBBYSS). Also called: Ohdo syndrome, SBBYS variant; SBBYSS syndrome; Say-Barber-Biesecker-Young-Simpson syndrome; Say-Barber-Biesecker-Young-Simpson variant of Ohdo Syndrome; Say-Barber-Biesecker Variant of Ohdo Syndrome; Young Simpson syndrome. Identifiers: Orphanet 3047, MedGen C1863557, MONDO:0011365, OMIM 603736.

Allele frequency attached by ClinVar (database versions not stated): gnomAD exomes below 0.00001; gnomAD 0.00001; ExAC 0.00002; TOPMed 0.00002.
gnomAD v4.1: 9 of 1,614,026 alleles (0.00056%); highest among the groups gnomAD compares: Non-Finnish European, 0.00068%; no homozygotes.

Submissions (2):

Fulgent Genetics
Classification: Uncertain significance for Blepharophimosis - intellectual disability syndrome, SBBYS type; Genitopatellar syndrome. Last evaluated: 2024-05-22. Review status: criteria provided, single submitter. Criteria: ACMG Guidelines, 2015. Collection method: clinical testing. Allele origin: germline.

Labcorp Genetics (formerly Invitae), Labcorp
Classification: Uncertain significance for Genitopatellar syndrome. Last evaluated: 2023-10-15. Review status: criteria provided, single submitter. Criteria: Invitae Variant Classification Sherloc (09022015). Collection method: clinical testing. Allele origin: germline.
Comment: This sequence change replaces arginine, which is basic and polar, with cysteine, which is neutral and slightly polar, at codon 1577 of the KAT6B protein (p.Arg1577Cys). This variant is present in population databases (rs754132525, gnomAD 0.002%). This variant has not been reported in the literature in individuals affected with KAT6B-related conditions. Advanced modeling of protein sequence and biophysical properties (such as structural, functional, and spatial information, amino acid conservation, physicochemical variation, residue mobility, and thermodynamic stability) performed at Invitae indicates that this missense variant is not expected to disrupt KAT6B protein function. In summary, the available evidence is currently insufficient to determine the role of this variant in disease. Therefore, it has been classified as a Variant of Uncertain Significance.